The following is an entry in ClinVar:

NM_015629.4(PRPF31):c.855+5G>A

Gene: PRPF31 (pre-mRNA processing factor 31; plus strand). Cytogenetic location: 19q13.42.
Variant type: single nucleotide variant.
Coding change: c.855+5G>A on transcript NM_015629.4 (MANE Select); 5 bases into the intron after coding-DNA position 855, G replaced by A.
Molecular consequence: intron variant.
Genome position (GRCh38, 1-based): chr19:54,124,661, G>A. VCF-style: chr19-54124661-G-A. GRCh37 (hg19) VCF-style: chr19-54628040-G-A.
Identifiers: ClinVar variation 1065790 (VCV001065790.9), dbSNP rs2146426154, ClinGen allele CA2499225594.

ClinVar aggregate classification (germline): Conflicting classifications of pathogenicity. Review status: criteria provided, conflicting classifications (1 of 4 stars). 2 submissions from 2 submitters: Pathogenic (1); Uncertain significance (1). Last evaluated 2022-06-20.

Conditions:
Retinitis pigmentosa 11 (RP11). Identifiers: Orphanet 791, MedGen C1838601, MONDO:0010828, OMIM 600138.

Submissions (2):

Labcorp Genetics (formerly Invitae), Labcorp
Classification: Pathogenic. Last evaluated: 2022-06-20. Review status: criteria provided, single submitter. Criteria: Invitae Variant Classification Sherloc (09022015). Collection method: clinical testing. Allele origin: germline.
Comment: For these reasons, this variant has been classified as Pathogenic. Variants that disrupt the consensus splice site are a relatively common cause of aberrant splicing (PMID: 17576681, 9536098). Studies have shown that this variant results in a splicing defect and introduces a premature termination codon (PMID: 33085829). The resulting mRNA is expected to undergo nonsense-mediated decay. ClinVar contains an entry for this variant (Variation ID: 1065790). This variant has been observed in individual(s) with retinitis pigmentosa (PMID: 33085829). It has also been observed to segregate with disease in related individuals. This variant is not present in population databases (gnomAD no frequency). This sequence change falls in intron 8 of the PRPF31 gene. It does not directly change the encoded amino acid sequence of the PRPF31 protein. RNA analysis indicates that this variant induces altered splicing and may result in an absent or disrupted protein product.

Ocular Genomics Institute, Massachusetts Eye and Ear
Classification: Uncertain significance for Retinitis pigmentosa 11. Last evaluated: 2021-04-08. Review status: criteria provided, single submitter. Criteria: ACMG Guidelines, 2015. Collection method: research. Allele origin: germline. Affected: yes.
Comment: Through a review of available evidence we were able to apply the following criteria: PM2. Based on this evidence we have classified this variant as Variant of Uncertain Significance.

Literature cited by the submitters: PubMed 17576681 (cited by Labcorp Genetics (formerly Invitae), Labcorp); PubMed 9536098 (cited by Labcorp Genetics (formerly Invitae), Labcorp); PubMed 33085829 (cited by Labcorp Genetics (formerly Invitae), Labcorp).